The following is an entry in ClinVar:

NM_182961.4(SYNE1):c.7850G>A (p.Arg2617Gln)

Gene: SYNE1 (spectrin repeat containing nuclear envelope protein 1; minus strand). Cytogenetic location: 6q25.2.
Variant type: single nucleotide variant.
Coding change: c.7850G>A on transcript NM_182961.4 (MANE Select); coding-DNA position 7850, G replaced by A.
Protein change: p.Arg2617Gln; replaces arginine 2617 with glutamine.
Molecular consequence: missense variant.
Genome position (GRCh38, 1-based): chr6:152,391,431, C>T on the plus strand (G>A on the coding strand, the complement: SYNE1 is on the minus strand). VCF-style: chr6-152391431-C-T. GRCh37 (hg19) VCF-style: chr6-152712566-C-T.
Other names: c.7871G>A (NM_033071.3); c.7871G>A, p.Arg2624Gln (NM_033071.5); short protein forms R2617Q, R2624Q.
Identifiers: ClinVar variation 290545 (VCV000290545.9), dbSNP rs769840610, ClinGen allele CA10606811.
Genomic context (GRCh38, chr6:152,391,431, plus strand): 5'-CACATGCTTTGCAGTGCTTCCTCCAGGGCTTCGTGCTCCTGAAGGGCCACCTGGCAGCTC[C>T]GGAGTTTCTCTTTGGTCATTCTAAGTAGGTTCTGGTGGCTTGTGAGGAGCTGGGAACACA-3'
Protein context (NP_892006.3, residues 2607-2627): NLLRMTKEKL[Arg2617Gln]SCQVALQEHE

ClinVar aggregate classification (germline): Uncertain significance. Review status: criteria provided, multiple submitters, no conflicts (2 of 4 stars). 3 submissions from 3 submitters: Uncertain significance (3). Last evaluated 2022-08-06.

Conditions:
Autosomal recessive ataxia, Beauce type. Also called: Spinocerebellar ataxia, autosomal recessive 8; ATAXIA, RECESSIVE, OF BEAUCE; SYNE1 Deficiency; SYNE1-Related Autosomal Recessive Cerebellar Ataxia. Identifiers: Orphanet 88644, MedGen C1853116, MONDO:0012549, OMIM 610743.
Emery-Dreifuss muscular dystrophy 4, autosomal dominant (EDMD4). Also called: EMERY-DREIFUSS MUSCULAR DYSTROPHY 4 WITH VARIABLE FEATURES. Identifiers: Orphanet 261, MedGen C2751807, MONDO:0013071, OMIM 612998.

Allele frequency attached by ClinVar (database versions not stated): gnomAD exomes 0.00001; TOPMed 0.00003.
gnomAD v4.1: 21 of 1,613,920 alleles (0.0013%); highest among the groups gnomAD compares: Middle Eastern, 0.033%; no homozygotes.

Submissions (3):

Labcorp Genetics (formerly Invitae), Labcorp
Classification: Uncertain significance for Emery-Dreifuss muscular dystrophy 4, autosomal dominant; Autosomal recessive ataxia, Beauce type. Last evaluated: 2022-08-06. Review status: criteria provided, single submitter. Criteria: Invitae Variant Classification Sherloc (09022015). Collection method: clinical testing. Allele origin: germline.
Comment: This sequence change replaces arginine, which is basic and polar, with glutamine, which is neutral and polar, at codon 2624 of the SYNE1 protein (p.Arg2624Gln). This variant is present in population databases (rs769840610, gnomAD 0.006%). This variant has not been reported in the literature in individuals affected with SYNE1-related conditions. ClinVar contains an entry for this variant (Variation ID: 290545). Algorithms developed to predict the effect of missense changes on protein structure and function are either unavailable or do not agree on the potential impact of this missense change (SIFT: "Deleterious"; PolyPhen-2: "Benign"; Align-GVGD: "Class C35"). In summary, the available evidence is currently insufficient to determine the role of this variant in disease. Therefore, it has been classified as a Variant of Uncertain Significance.

Revvity Omics, Revvity
Classification: Uncertain significance. Last evaluated: 2019-02-22. Review status: criteria provided, single submitter. Criteria: ACMG Guidelines, 2015. Collection method: clinical testing. Allele origin: germline.

Eurofins Ntd Llc (ga)
Classification: Uncertain significance. Last evaluated: 2016-08-31. Review status: criteria provided, single submitter. Criteria: EGL Classification Definitions 2015. Collection method: clinical testing. Allele origin: germline. Observed: 1 variant allele, 1 heterozygote.